The following is an entry in ClinVar:

ClinVar aggregate classification (germline): Benign. Review status: reviewed by expert panel (3 of 4 stars). 16 submissions from 16 submitters: Benign (1). 15 of the submissions do not count toward it. Last evaluated 2026-11-22.

Conditions:
VHL-related disorder. Also called: VHL-related condition.
Chuvash polycythemia. Also called: POLYCYTHEMIA, VHL-DEPENDENT. Identifiers: Orphanet 238557, MedGen C1837915, MONDO:0009892, OMIM 263400.
Von Hippel-Lindau syndrome (VHLS). Also called: VHL syndrome; von Hippel–Lindau syndrome; Von Hippel-Lindau. Identifiers: Orphanet 892, MedGen C0019562, MONDO:0008667, OMIM 193300. Disease mechanism: loss of function.
Pheochromocytoma. Also called: MAX-Related Hereditary Paraganglioma-Pheochromocytoma Syndrome. Identifiers: Orphanet 29072, MedGen C0031511, MONDO:0008233, OMIM 171300, HP:0002666.
Nonpapillary renal cell carcinoma. Identifiers: Orphanet 422526, MedGen CN074294, MONDO:0007763, OMIM 144700.
Hereditary cancer-predisposing syndrome. Also called: Tumor predisposition; Hereditary neoplastic syndrome; Neoplastic Syndromes, Hereditary; Hereditary Cancer Syndrome. Identifiers: Orphanet 140162, MedGen C0027672, MeSH D009386, MONDO:0015356.

Allele frequency attached by ClinVar (database versions not stated): TOPMed 0.00006; 1000 Genomes Project 30x 0.00031; 1000 Genomes Project 0.00040.

Submissions 1 to 11 of 16:

ClinGen VHL Variant Curation Expert Panel, ClinGen
Classification: Benign for Von Hippel-Lindau syndrome. Last evaluated: 2026-11-22. Review status: reviewed by expert panel. Criteria: ClinGen VHL ACMG Specifications VHL V1.1.0. Collection method: curation. Allele origin: germline. Inheritance: Autosomal dominant inheritance.
Comment: The NM_000551.4(VHL):c.3G>A variant is a start lost variant (p.Met1Ile) that is not predicted to affect VHL p19, as VHL has a second start at codon 54 (VHL p19). The GroupMax Filtering Allele Frequency (95% CI) in gnomAD v4.1.0 is 0.0002271 (15/40544 alleles) in East Asian population, which is higher than the ClinGen VHL VCEP threshold (>=0.000156) for BA1 (BA1). Although this variant disrupts the canonical translation initiation codon, VHL's known alternative in-frame initiation site at codon 54 likely reduces the pathogenic impact and would not be expected to result in complete absence of VHL protein function. In summary, this variant meets the criteria to be classified as Benign (BA1 stand-alone criteria) for autosomal-dominant von Hippel Lindau syndrome (VHL syndrome) based on the ACMG/AMP criteria applied, as specified by the ClinGen VHL VCEP Version 1.1.0 (Specifications approval date: 01/10/2025). Variant Approval Date 11/22/2026.

PreventionGenetics, part of Exact Sciences
Classification: Uncertain significance for VHL-related condition. Last evaluated: 2026-03-26. Review status: criteria provided, single submitter. Criteria: ACMG Guidelines, 2015. Collection method: clinical testing. Allele origin: germline. Not counted in ClinVar's aggregate classification.
Comment: The VHL c.3G>A variant is predicted to disrupt the translation initiation site (Start loss). This variant was reported in an individual with renal cell carcinoma (Christensen et al. 2019. PubMed ID: 31034483). This variant is reported in 0.038% of alleles in individuals of African descent in gnomAD. The next in-frame methionine is located at codon 54 and it is currently unknown what impact this change has on the protein. This variant has conflicting interpretations in ClinVar ranging from uncertain to likely benign (Variation ID: 135406). Although we suspect that this variant may be benign, at this time, the clinical significance of this variant is uncertain due to the absence of conclusive functional and genetic evidence.

Labcorp Genetics (formerly Invitae), Labcorp
Classification: Uncertain significance for Von Hippel-Lindau syndrome; Chuvash polycythemia. Last evaluated: 2026-01-05. Review status: criteria provided, single submitter. Criteria: Invitae Variant Classification Sherloc (09022015). Collection method: clinical testing. Allele origin: germline. Not counted in ClinVar's aggregate classification.
Comment: This sequence change affects the initiator codon of the VHL mRNA. This change may impact translation initiation or efficiency. The next in-frame methionine is located at codon 54. It is unclear whether it will result in an absent or disrupted protein product because an in-frame methionine located at codon 54 has the potential to rescue this variant. This variant is present in population databases (rs578091032, gnomAD 0.04%). Disruption of the initiator codon has been observed in individual(s) with renal carcinoma (PMID: 31034483). ClinVar contains an entry for this variant (Variation ID: 135406). Several studies have shown that the VHL protein created from a downstream methionine located at codon 54 is biologically active, and exhibits properties similar to the full-length, wild-type protein (PMID: 9671762, 9751722). In summary, the available evidence is currently insufficient to determine the role of this variant in disease. Therefore, it has been classified as a Variant of Uncertain Significance.

Color Diagnostics, LLC DBA Color Health
Classification: Likely benign for Von Hippel-Lindau syndrome. Last evaluated: 2025-07-05. Review status: criteria provided, single submitter. Criteria: ACMG Guidelines, 2015. Collection method: clinical testing. Allele origin: germline. Not counted in ClinVar's aggregate classification.

Center for Genomic Medicine, Rigshospitalet, Copenhagen University Hospital
Classification: Uncertain significance. Last evaluated: 2025-03-04. Review status: criteria provided, single submitter. Criteria: ACMG Guidelines, 2015. Collection method: clinical testing. Allele origin: germline. Not counted in ClinVar's aggregate classification.

All of Us Research Program, National Institutes of Health
Classification: Uncertain significance for Von Hippel-Lindau syndrome. Last evaluated: 2024-08-29. Review status: criteria provided, single submitter. Criteria: ACMG Guidelines, 2015. Collection method: clinical testing. Allele origin: germline. Inheritance: Autosomal dominant inheritance. Observed: 12 variant alleles, 12 heterozygotes. Not counted in ClinVar's aggregate classification.
Comment: This variant results in the loss of the translation initiator methionine at codon 1 of the VHL protein. However, VHL encodes a smaller protein isoform from internal translation initiation at methionine 54 (PMID: 9671762, 10102622). Functional studies have reported that the smaller protein isoform can rescue VHL functions in renal carcinoma cells lacking endogenous VHL expression (PMID: 9671762, 9751722, 10102622) and a mouse model for VHL start codon loss found that most VHL functions are intact (PMID: 23541568). This variant has been reported in an individual affected with sporadic renal cell carcinoma along with a second VHL variant, p.Met211Leu, who lacks other manifestations or family history of von Hippel-Lindau syndrome (PMID: 31034483). This variant has been identified in 12/170382 chromosomes in the general population by the Genome Aggregation Database (gnomAD). The available evidence is insufficient to determine the role of this variant in disease conclusively. Therefore, this variant is classified as a Variant of Uncertain Significance.

This study involves interpretation of variants in research participants for the purpose of population health screening. Participant phenotype was not available at the time of variant classification. Additional details can be found in publication PMID: 35346344, PMCID: PMC8962531

Myriad Genetics, Inc.
Classification: Likely benign for Von Hippel-Lindau syndrome. Last evaluated: 2024-08-20. Review status: criteria provided, single submitter. Criteria: Myriad Autosomal Dominant, Autosomal Recessive and X-Linked Classification Criteria (2023). Collection method: clinical testing. Allele origin: unknown. Not counted in ClinVar's aggregate classification.
Comment: This variant is considered likely benign. This variant has been observed at a population frequency that is significantly greater than expected given the associated disease prevalence and penetrance.

Quest Diagnostics Nichols Institute San Juan Capistrano
Classification: Uncertain significance. Last evaluated: 2024-05-31. Review status: criteria provided, single submitter. Criteria: Quest Diagnostics criteria. Collection method: clinical testing. Allele origin: unknown. Not counted in ClinVar's aggregate classification.

GeneDx
Classification: Uncertain significance. Last evaluated: 2023-04-28. Review status: criteria provided, single submitter. Criteria: GeneDx Variant Classification Process June 2021. Collection method: clinical testing. Allele origin: germline. Affected: yes. Not counted in ClinVar's aggregate classification.
Comment: Initiation codon variant in a gene for which a downstream in-frame ATG produces an alternate clinically-relevant isoform, pVHL19, that may result in a functional protein (Iliopoulos et al., 1998; Schoenfeld et al., 1998; Blankenship et al., 1999); Observed in an individual with isolated clear cell renal cell carcinoma (Christensen et al., 2019); Published functional studies demonstrate normal regulation of HIF1a and aberrant microtubule dynamics in cells derived from a mouse model homozygous for this variant; however the homozygous mice do not have an increased rate of VHL-related tumors or disease (Frew et al., 2013); This variant is associated with the following publications: (PMID: 24728327, 11505222, 20151405, 10102622, 9751722, 13679920, 26224408, 12510195, 26211615, 29018234, 28580172, 28425505, 9671762, 35735610, 31034483, 23541568)

Ambry Genetics
Classification: Likely benign for Hereditary cancer-predisposing syndrome. Last evaluated: 2022-10-27. Review status: criteria provided, single submitter. Criteria: Ambry Variant Classification Scheme 2023. Collection method: clinical testing. Allele origin: germline. Not counted in ClinVar's aggregate classification.

Fulgent Genetics
Classification: Uncertain significance for Nonpapillary renal cell carcinoma; Pheochromocytoma; Von Hippel-Lindau syndrome; Chuvash polycythemia. Last evaluated: 2022-04-27. Review status: criteria provided, single submitter. Criteria: ACMG Guidelines, 2015. Collection method: clinical testing. Allele origin: unknown. Not counted in ClinVar's aggregate classification.

NM_000551.4(VHL):c.3G>A (p.Met1Ile)

Gene: VHL (von Hippel-Lindau tumor suppressor; plus strand). Cytogenetic location: 3p25.3.
Variant type: single nucleotide variant.
Coding change: c.3G>A on transcript NM_000551.4 (MANE Select); coding-DNA position 3, G replaced by A.
Protein change: p.Met1Ile; changes the start codon (methionine 1).
Molecular consequence: missense variant, initiator codon variant.
Genome position (GRCh38, 1-based): chr3:10,141,850, G>A. VCF-style: chr3-10141850-G-A. GRCh37 (hg19) VCF-style: chr3-10183534-G-A.
Other names: NM_000551.4(VHL):c.3G>A; p.Met1Ile; c.3G>A, p.Met1Ile (NM_001354723.2, NM_198156.3); short protein forms M1I.
Identifiers: ClinVar variation 135406 (VCV000135406.38), dbSNP rs578091032, ClinGen allele CA020331.